The following is an entry in ClinVar:

ClinVar aggregate classification (germline): Uncertain significance (1 of 4 stars; one submission).

Submission:

Dasa
Classification: Uncertain significance. Last evaluated: 2026-02-27. Review status: criteria provided, single submitter. Criteria: DASA Assertion Criteria. Collection method: clinical testing. Allele origin: germline.
Comment: NM_000334.4(SCN4A):c.1999G>C (p.Val667Leu) is a missense variant that results in the substitution of valine with leucine. The affected residue or protein region has prior evidence supporting clinical relevance. This variant is absent from population databases. Computational prediction algorithms are consistent with a deleterious effect. The currently available literature and clinical evidence are not sufficient to establish a definitive association between this variant and the reported condition. Therefore, this variant is classified as a variant of uncertain significance.

NM_000334.4(SCN4A):c.1999G>C (p.Val667Leu)

Gene: SCN4A (sodium voltage-gated channel alpha subunit 4; minus strand). Cytogenetic location: 17q23.3.
Variant type: single nucleotide variant.
Coding change: c.1999G>C on transcript NM_000334.4 (MANE Select); coding-DNA position 1999, G replaced by C.
Protein change: p.Val667Leu; replaces valine 667 with leucine.
Molecular consequence: missense variant.
Genome position (GRCh38, 1-based): chr17:63,959,285, C>G on the plus strand (G>C on the coding strand, the complement: SCN4A is on the minus strand). VCF-style: chr17-63959285-C-G. GRCh37 (hg19) VCF-style: chr17-62036645-C-G.
Other names: short protein forms V667L.
Identifiers: ClinVar variation 4883406 (VCV004883406.2).